The following is an entry in ClinVar:

NM_005419.4(STAT2):c.2269T>C (p.Ser757Pro)

Gene: STAT2 (signal transducer and activator of transcription 2; minus strand). Cytogenetic location: 12q13.3.
Variant type: single nucleotide variant.
Coding change: c.2269T>C on transcript NM_005419.4 (MANE Select); coding-DNA position 2269, T replaced by C.
Protein change: p.Ser757Pro; replaces serine 757 with proline.
Molecular consequence: missense variant.
Genome position (GRCh38, 1-based): chr12:56,343,969, A>G on the plus strand (T>C on the coding strand, the complement: STAT2 is on the minus strand). VCF-style: chr12-56343969-A-G. GRCh37 (hg19) VCF-style: chr12-56737753-A-G.
Other names: c.2257T>C, p.Ser753Pro (NM_198332.2); short protein forms S757P, S753P.
Identifiers: ClinVar variation 942143 (VCV000942143.8), dbSNP rs757246041, ClinGen allele CA6630278.

ClinVar aggregate classification (germline): Uncertain significance (1 of 4 stars; one submission).

Conditions:
Primary immunodeficiency with post-measles-mumps-rubella vaccine viral infection. Also called: Immunodeficiency 44. Identifiers: Orphanet 431166, MedGen C4225260, MONDO:0014715, OMIM 616636.

Allele frequency attached by ClinVar (database versions not stated): ExAC 0.00002; gnomAD exomes 0.00003 and 0.00005; TOPMed 0.00005; gnomAD 0.00006.
gnomAD v4.1: 29 of 1,613,902 alleles (0.0018%); highest among the groups gnomAD compares: Admixed American, 0.03%; no homozygotes.

Submission:

Labcorp Genetics (formerly Invitae), Labcorp
Classification: Uncertain significance for Primary immunodeficiency with post-measles-mumps-rubella vaccine viral infection. Last evaluated: 2025-09-02. Review status: criteria provided, single submitter. Criteria: Invitae Variant Classification Sherloc (09022015). Collection method: clinical testing. Allele origin: germline.
Comment: This sequence change replaces serine, which is neutral and polar, with proline, which is neutral and non-polar, at codon 757 of the STAT2 protein (p.Ser757Pro). This variant is present in population databases (rs757246041, gnomAD 0.03%). This variant has not been reported in the literature in individuals affected with STAT2-related conditions. ClinVar contains an entry for this variant (Variation ID: 942143). Invitae Evidence Modeling of protein sequence and biophysical properties (such as structural, functional, and spatial information, amino acid conservation, physicochemical variation, residue mobility, and thermodynamic stability) indicates that this missense variant is not expected to disrupt STAT2 protein function with a negative predictive value of 95%. In summary, the available evidence is currently insufficient to determine the role of this variant in disease. Therefore, it has been classified as a Variant of Uncertain Significance.